The following is an entry in ClinVar:

NM_001182.5(ALDH7A1):c.192G>C (p.Glu64Asp)

Gene: ALDH7A1 (aldehyde dehydrogenase 7 family member A1; minus strand). Cytogenetic location: 5q23.2.
Variant type: single nucleotide variant.
Coding change: c.192G>C on transcript NM_001182.5 (MANE Select); coding-DNA position 192, G replaced by C.
Protein change: p.Glu64Asp; replaces glutamic acid 64 with aspartic acid.
Molecular consequence: missense variant.
Genome position (GRCh38, 1-based): chr5:126,595,007, C>G on the plus strand (G>C on the coding strand, the complement: ALDH7A1 is on the minus strand). VCF-style: chr5-126595007-C-G. GRCh37 (hg19) VCF-style: chr5-125930699-C-G.
Other names: c.108G>C, p.Glu36Asp (NM_001201377.2); c.192G>C, p.Glu64Asp (NM_001202404.2); short protein forms E64D, E36D.
Identifiers: ClinVar variation 646791 (VCV000646791.11), dbSNP rs1581409051, ClinGen allele CA360733649.

ClinVar aggregate classification (germline): Likely pathogenic (1 of 4 stars; one submission).

Conditions:
Pyridoxine-dependent epilepsy (EPEO4). Also called: Pyridoxine-Dependent Epilepsy - ALDH7A1; EPILEPSY, EARLY-ONSET, 4, VITAMIN B6-DEPENDENT; PYRIDOXINE DEPENDENCY WITH SEIZURES; Pyridoxine-Dependent Seizures. Identifiers: Orphanet 3006, MedGen C1849508, MONDO:0009945, OMIM 266100. Disease mechanism: loss of function.

gnomAD v4.1: 2 of 1,597,554 alleles (0.00013%); highest among the groups gnomAD compares: Non-Finnish European, 0.00017%; no homozygotes.

Submission:

Labcorp Genetics (formerly Invitae), Labcorp
Classification: Likely pathogenic for Pyridoxine-dependent epilepsy. Last evaluated: 2019-02-18. Review status: criteria provided, single submitter. Criteria: Invitae Variant Classification Sherloc (09022015). Collection method: clinical testing. Allele origin: germline.
Comment: This variant is not present in population databases (ExAC no frequency). This sequence change replaces glutamic acid with aspartic acid at codon 64 of the ALDH7A1 protein (p.Glu64Asp). The glutamic acid residue is moderately conserved and there is a small physicochemical difference between glutamic acid and aspartic acid. This variant also falls at the last nucleotide of exon 1 of the ALDH7A1 coding sequence, which is part of the consensus splice site for this exon. This variant has been observed in individual(s) with clinical features of pyridoxine dependent epilepsy (Invitae). In at least one individual the data is consistent with the variant being in trans (on the opposite chromosome) from a pathogenic variant. In summary, the currently available evidence indicates that the variant is pathogenic, but additional data are needed to prove that conclusively. Therefore, this variant has been classified as Likely Pathogenic. Nucleotide substitutions within the consensus splice site are a relatively common cause of aberrant splicing (PMID: 17576681, 9536098). Algorithms developed to predict the effect of sequence changes on RNA splicing suggest that this variant may disrupt the consensus splice site, but this prediction has not been confirmed by published transcriptional studies. Algorithms developed to predict the effect of missense changes on protein structure and function (SIFT, PolyPhen-2, Align-GVGD) all suggest that this variant is likely to be tolerated, but these predictions have not been confirmed by published functional studies and their clinical significance is uncertain.

Literature cited by the submitters: PubMed 17576681; PubMed 9536098.